The following is an entry in ClinVar:

ClinVar aggregate classification (germline): Uncertain significance. Review status: criteria provided, multiple submitters, no conflicts (2 of 4 stars). 2 submissions from 2 submitters: Uncertain significance (2). Last evaluated 2024-10-30.

Conditions:
Hepatic methionine adenosyltransferase deficiency. Also called: Deficiency of methionine adenosyltransferase; Isolated Persistent Hypermethioninemia; Methionine adenosyltransferase deficiency; MAT I/III DEFICIENCY. Identifiers: Orphanet 168598, MedGen C0268621, MeSH C564683, MONDO:0009607, OMIM 250850.

Allele frequency attached by ClinVar (database versions not stated): gnomAD 0.00001; gnomAD exomes 0.00001; ExAC 0.00002; TOPMed 0.00002.
gnomAD v4.1: 26 of 1,614,084 alleles (0.0016%); highest among the groups gnomAD compares: Non-Finnish European, 0.0017%; no homozygotes.

Submissions (2):

Labcorp Genetics (formerly Invitae), Labcorp
Classification: Uncertain significance for Hepatic methionine adenosyltransferase deficiency. Last evaluated: 2024-10-30. Review status: criteria provided, single submitter. Criteria: Invitae Variant Classification Sherloc (09022015). Collection method: clinical testing. Allele origin: germline.
Comment: This sequence change replaces leucine, which is neutral and non-polar, with methionine, which is neutral and non-polar, at codon 346 of the MAT1A protein (p.Leu346Met). This variant is present in population databases (rs200157444, gnomAD 0.002%). This variant has not been reported in the literature in individuals affected with MAT1A-related conditions. ClinVar contains an entry for this variant (Variation ID: 1476710). Invitae Evidence Modeling of protein sequence and biophysical properties (such as structural, functional, and spatial information, amino acid conservation, physicochemical variation, residue mobility, and thermodynamic stability) indicates that this missense variant is not expected to disrupt MAT1A protein function with a negative predictive value of 80%. In summary, the available evidence is currently insufficient to determine the role of this variant in disease. Therefore, it has been classified as a Variant of Uncertain Significance.

Intergen Genetics and Rare Diseases Diagnosis Center
Classification: Uncertain significance for Hepatic methionine adenosyltransferase deficiency. Last evaluated: 2023-07-04. Review status: criteria provided, single submitter. Criteria: ACMG Guidelines, 2015. Collection method: clinical testing. Allele origin: unknown. Inheritance: Semidominant inheritance.

NM_000429.3(MAT1A):c.1036C>A (p.Leu346Met)

Gene: MAT1A (methionine adenosyltransferase 1A; minus strand). Cytogenetic location: 10q22.3.
Variant type: single nucleotide variant.
Coding change: c.1036C>A on transcript NM_000429.3 (MANE Select); coding-DNA position 1036, C replaced by A.
Protein change: p.Leu346Met; replaces leucine 346 with methionine.
Molecular consequence: missense variant.
Genome position (GRCh38, 1-based): chr10:80,274,569, G>T on the plus strand (C>A on the coding strand, the complement: MAT1A is on the minus strand). VCF-style: chr10-80274569-G-T. GRCh37 (hg19) VCF-style: chr10-82034325-G-T.
Other names: short protein forms L346M.
Identifiers: ClinVar variation 1476710 (VCV001476710.10), dbSNP rs200157444, ClinGen allele CA5576626.